The following is an entry in ClinVar:

NM_183050.4(BCKDHB):c.270_271delinsACTGTCTCTTATA (p.Ala91fs)

Gene: BCKDHB (branched chain keto acid dehydrogenase E1 subunit beta; plus strand). Cytogenetic location: 6q14.1.
Variant type: Indel.
Coding change: c.270_271delinsACTGTCTCTTATA on transcript NM_183050.4 (MANE Select); coding-DNA positions 270 to 271, TG replaced by ACTGTCTCTTATA.
Protein change: p.Ala91fs; shifts the reading frame from alanine 91.
Molecular consequence: frameshift variant. On other transcripts: non-coding transcript variant (6).
Genome position (GRCh38, 1-based): chr6:80,127,620-80,127,621, TG replaced by ACTGTCTCTTATA. VCF-style: chr6-80127620-TG-ACTGTCTCTTATA. GRCh37 (hg19) VCF-style: chr6-80837337-TG-ACTGTCTCTTATA.
Other names: c.270_271delinsACTGTCTCTTATA, p.Ala91fs (NM_000056.5, NM_001424035.1, NM_001424036.1 and 8 more transcripts); c.60_61delinsACTGTCTCTTATA, p.Ala21fs (NM_001318975.1, NM_001424043.1); short protein forms A21fs, A91fs.
Identifiers: ClinVar variation 5011689 (VCV005011689.1).
Genomic context (GRCh38, chr6:80,127,620, plus strand): 5'-AATGAATCTTTTCCAGTCTGTAACAAGTGCCTTGGATAACTCATTGGCCAAAGATCCTAC[TG>ACTGTCTCTTATA]CAGGTAACCCTGATATGTGCCTGAATTGTGGTAGCTGTGTTAATTCCAGAATTGAAGATT-3'

ClinVar aggregate classification (germline): Pathogenic (1 of 4 stars; one submission).

Conditions:
Maple syrup urine disease type 1B (MSUD1B). Also called: MSUD type IB; MSUD type 3 (formerly); MSUD due to deficiency of e1-beta subunit of branched-chain alpha-keto acid dehydrogenase complex. Identifiers: MedGen C2930990, MONDO:0023692, OMIM 620698.

Submission:

Myriad Genetics, Inc.
Classification: Pathogenic for Maple syrup urine disease type 1B. Last evaluated: 2023-09-17. Review status: criteria provided, single submitter. Criteria: Myriad Autosomal Dominant, Autosomal Recessive and X-Linked Classification Criteria (2023). Collection method: clinical testing. Allele origin: unknown.
Comment: NM_183050.2(BCKDHB):c.270_271del2ins13(A91Lfs*6) is expected to be pathogenic in the context of maple syrup urine disease type Ib. This variant is predicted to lead to an abnormal or absent protein product due to the creation of a premature termination codon in BCKDHB, a gene where loss-of-function variants are known to be pathogenic. Please note: this variant was assessed in the context of healthy population screening.